The following is an entry in ClinVar:

ClinVar aggregate classification (germline): Uncertain significance (1 of 4 stars; one submission).

Allele frequency attached by ClinVar (database versions not stated): ExAC 0.00001; gnomAD exomes 0.00001; TOPMed 0.00001.
gnomAD v4.1: 5 of 1,613,576 alleles (0.00031%); highest among the groups gnomAD compares: Admixed American, 0.0083%; no homozygotes.

Submission:

Labcorp Genetics (formerly Invitae), Labcorp
Classification: Uncertain significance. Last evaluated: 2023-04-07. Review status: criteria provided, single submitter. Criteria: Invitae Variant Classification Sherloc (09022015). Collection method: clinical testing. Allele origin: germline.
Comment: This variant is present in population databases (rs762703271, gnomAD 0.003%). This sequence change affects codon 996 of the RNF31 mRNA. It is a 'silent' change, meaning that it does not change the encoded amino acid sequence of the RNF31 protein. This variant has not been reported in the literature in individuals affected with RNF31-related conditions. Algorithms developed to predict the effect of sequence changes on RNA splicing suggest that this variant may create or strengthen a splice site. In summary, the available evidence is currently insufficient to determine the role of this variant in disease. Therefore, it has been classified as a Variant of Uncertain Significance.

NM_017999.5(RNF31):c.2988C>T (p.Gly996=)

Gene: RNF31 (ring finger protein 31; plus strand). Cytogenetic location: 14q12.
Variant type: single nucleotide variant.
Coding change: c.2988C>T on transcript NM_017999.5 (MANE Select); coding-DNA position 2988, C replaced by T.
Protein change: p.Gly996=; no amino-acid change (glycine 996 retained).
Molecular consequence: synonymous variant.
Genome position (GRCh38, 1-based): chr14:24,159,952, C>T. VCF-style: chr14-24159952-C-T. GRCh37 (hg19) VCF-style: chr14-24629161-C-T.
Other names: c.2535C>T, p.Gly845= (NM_001310332.2).
Identifiers: ClinVar variation 2896896 (VCV002896896.3), dbSNP rs762703271, ClinGen allele CA7126230.